The following is an entry in ClinVar:

ClinVar aggregate classification (germline): Conflicting classifications of pathogenicity. Review status: criteria provided, conflicting classifications (1 of 4 stars). 2 submissions from 2 submitters: Uncertain significance (1); Likely benign (1). Last evaluated 2025-10-21.

Conditions:
Pulmonary fibrosis and/or bone marrow failure, Telomere-related, 3. Also called: PULMONARY FIBROSIS AND/OR BONE MARROW FAILURE SYNDROME, TELOMERE-RELATED, 3. Identifiers: Orphanet 2032, MedGen C4225346, MONDO:0014613, OMIM 616373.
Dyskeratosis congenita, autosomal recessive 5 (DKCB5). Identifiers: MedGen C3554656, MONDO:0014076, OMIM 615190.
Inborn genetic diseases. Identifiers: MedGen C0950123, MeSH D030342.

Allele frequency attached by ClinVar (database versions not stated): ExAC 0.00001; 1000 Genomes Project 0.00020; gnomAD 0.00001; 1000 Genomes Project 30x 0.00016.
gnomAD v4.1: 5 of 1,612,078 alleles (0.00031%); highest among the groups gnomAD compares: East Asian, 0.0045%; no homozygotes.

Submissions (2):

Labcorp Genetics (formerly Invitae), Labcorp
Classification: Uncertain significance for Dyskeratosis congenita, autosomal recessive 5; Pulmonary fibrosis and/or bone marrow failure, Telomere-related, 3. Last evaluated: 2025-10-21. Review status: criteria provided, single submitter. Criteria: Invitae Variant Classification Sherloc (09022015). Collection method: clinical testing. Allele origin: germline.
Comment: This sequence change replaces arginine, which is basic and polar, with glutamine, which is neutral and polar, at codon 979 of the RTEL1 protein (p.Arg979Gln). This variant is present in population databases (rs574134304, gnomAD 0.01%). This variant has not been reported in the literature in individuals affected with RTEL1-related conditions. ClinVar contains an entry for this variant (Variation ID: 2924715). An algorithm developed to predict the effect of missense changes on protein structure and function outputs the following: PolyPhen-2: "Benign". The glutamine amino acid residue is found in multiple mammalian species, which suggests that this missense change does not adversely affect protein function. In summary, the available evidence is currently insufficient to determine the role of this variant in disease. Therefore, it has been classified as a Variant of Uncertain Significance.

Ambry Genetics
Classification: Likely benign for Inborn genetic diseases. Last evaluated: 2025-03-28. Review status: criteria provided, single submitter. Criteria: Ambry Variant Classification Scheme 2023. Collection method: clinical testing. Allele origin: germline.

NM_001283009.2(RTEL1):c.2936G>A (p.Arg979Gln)

Genes: RTEL1 (regulator of telomere elongation helicase 1; plus strand), RTEL1-TNFRSF6B (RTEL1-TNFRSF6B readthrough (NMD candidate); plus strand). Cytogenetic location: 20q13.33.
Variant type: single nucleotide variant.
Coding change: c.2936G>A on transcript NM_001283009.2 (MANE Select); coding-DNA position 2936, G replaced by A.
Protein change: p.Arg979Gln; replaces arginine 979 with glutamine.
Molecular consequence: missense variant. On other transcripts: non-coding transcript variant (1).
Genome position (GRCh38, 1-based): chr20:63,693,227, G>A. VCF-style: chr20-63693227-G-A. GRCh37 (hg19) VCF-style: chr20-62324580-G-A.
Other names: c.2267G>A, p.Arg756Gln (NM_001283010.1); c.2936G>A, p.Arg979Gln (NM_016434.4); c.3008G>A, p.Arg1003Gln (NM_032957.5); short protein forms R1003Q, R756Q, R979Q.
Identifiers: ClinVar variation 2924715 (VCV002924715.4), dbSNP rs574134304, ClinGen allele CA9965664.